The following is an entry in ClinVar:

NM_002976.4(SCN7A):c.3676dup (p.Tyr1226fs)

Gene: SCN7A (sodium voltage-gated channel alpha subunit 7; minus strand). Cytogenetic location: 2q24.3.
Variant type: Duplication.
Coding change: c.3676dup on transcript NM_002976.4 (MANE Select); coding-DNA position 3676, one base duplicated (T; older notation c.3676dupT).
Protein change: p.Tyr1226fs; shifts the reading frame from tyrosine 1226.
Molecular consequence: frameshift variant. On other transcripts: non-coding transcript variant (1).
Genome position (GRCh38, 1-based): chr2:166,410,255, A duplicated on the plus strand (T on the coding strand, the reverse complement: SCN7A is on the minus strand). VCF-style (leftmost placement, unchanged base first): chr2-166410254-T-TA. GRCh37 (hg19) VCF-style: chr2-167266764-T-TA.
Other names: short protein forms Y1226fs.
Identifiers: ClinVar variation 3257235 (VCV003257235.17).

ClinVar aggregate classification (germline): Uncertain significance (1 of 4 stars; one submission).

Submission:

CeGaT Center for Human Genetics Tuebingen
Classification: Uncertain significance. Last evaluated: 2024-07-01. Review status: criteria provided, single submitter. Criteria: CeGaT Center For Human Genetics Tuebingen Variant Classification Criteria Version 2. Collection method: clinical testing. Allele origin: germline. Affected: yes. Observed: 1 variant allele.
Comment: SCN7A: PM2